The following is an entry in ClinVar:

NM_001134407.3(GRIN2A):c.2962C>G (p.Leu988Val)

Gene: GRIN2A (glutamate ionotropic receptor NMDA type subunit 2A; minus strand). Cytogenetic location: 16p13.2.
Variant type: single nucleotide variant.
Coding change: c.2962C>G on transcript NM_001134407.3 (MANE Select); coding-DNA position 2962, C replaced by G.
Protein change: p.Leu988Val; replaces leucine 988 with valine.
Molecular consequence: missense variant.
Genome position (GRCh38, 1-based): chr16:9,764,582, G>C on the plus strand (C>G on the coding strand, the complement: GRIN2A is on the minus strand). VCF-style: chr16-9764582-G-C. GRCh37 (hg19) VCF-style: chr16-9858439-G-C.
Other names: c.2962C>G, p.Leu988Val (NM_000833.5, NM_001134408.2); short protein forms L988V.
Identifiers: ClinVar variation 2170299 (VCV002170299.4), dbSNP rs2141135688, ClinGen allele CA394708968.

ClinVar aggregate classification (germline): Uncertain significance (1 of 4 stars; one submission).

Conditions:
Landau-Kleffner syndrome (FESD). Also called: EPILEPSY, FOCAL, WITH SPEECH DISORDER AND WITH OR WITHOUT MENTAL RETARDATION; APHASIA, ACQUIRED, WITH EPILEPSY. Identifiers: Orphanet 1945, Orphanet 725, Orphanet 98818, MedGen C0282512, MONDO:0009509, OMIM 245570.

gnomAD v4.1: 1 of 1,614,016 alleles (0.000062%); highest among the groups gnomAD compares: African/African-American, 0.0013%; no homozygotes.

Submission:

Labcorp Genetics (formerly Invitae), Labcorp
Classification: Uncertain significance for Landau-Kleffner syndrome. Last evaluated: 2024-05-30. Review status: criteria provided, single submitter. Criteria: Invitae Variant Classification Sherloc (09022015). Collection method: clinical testing. Allele origin: germline.
Comment: This sequence change replaces leucine, which is neutral and non-polar, with valine, which is neutral and non-polar, at codon 988 of the GRIN2A protein (p.Leu988Val). This variant is not present in population databases (gnomAD no frequency). This variant has not been reported in the literature in individuals affected with GRIN2A-related conditions. ClinVar contains an entry for this variant (Variation ID: 2170299). Advanced modeling of protein sequence and biophysical properties (such as structural, functional, and spatial information, amino acid conservation, physicochemical variation, residue mobility, and thermodynamic stability) performed at Invitae indicates that this missense variant is not expected to disrupt GRIN2A protein function with a negative predictive value of 95%. In summary, the available evidence is currently insufficient to determine the role of this variant in disease. Therefore, it has been classified as a Variant of Uncertain Significance.